The following is an entry in ClinVar:

ClinVar aggregate classification (germline): Benign/Likely benign. Review status: criteria provided, multiple submitters, no conflicts (2 of 4 stars). 2 submissions from 2 submitters: Benign (1); Likely benign (1). Last evaluated 2025-10-01.

Submissions (2):

CeGaT Center for Human Genetics Tuebingen
Classification: Likely benign. Last evaluated: 2025-10-01. Review status: criteria provided, single submitter. Criteria: CeGaT Center For Human Genetics Tuebingen Variant Classification Criteria Version 2. Collection method: clinical testing. Allele origin: germline. Affected: yes. Observed: 2 variant alleles.
Comment: KCNN3: BP3, BS1

Mendelics
Classification: Benign. Last evaluated: 2022-05-04. Review status: criteria provided, single submitter. Criteria: Mendelics Assertion Criteria 2019. Collection method: clinical testing. Allele origin: germline.

NM_002249.6(KCNN3):c.200AGC[5] (p.Gln72_Gln80del)

Gene: KCNN3 (potassium calcium-activated channel subfamily N member 3; minus strand). Cytogenetic location: 1q21.3.
Variant type: Microsatellite.
Coding change: c.200AGC[5] on transcript NM_002249.6 (MANE Select); five copies in a row of the 3-base unit AGC starting at c.200; the reference has 14 copies in a row; nine copies, 27 bases deleted.
Protein change: p.Gln72_Gln80del.
Molecular consequence: inframe deletion.
Genome position (GRCh38, 1-based): chr1:154,869,724-154,869,750, GCTGCTGCTGCTGCTGCTGCTGCTGCT deleted on the plus strand (AGCAGCAGCAGCAGCAGCAGCAGCAGC on the coding strand, the reverse complement: KCNN3 is on the minus strand); deleting any 27 consecutive bases within chr1:154,869,724-154,869,766 gives the same sequence; the position shown is the placement nearest the transcript's 3' end. VCF-style (leftmost placement, unchanged base first): chr1-154869723-GGCTGCTGCTGCTGCTGCTGCTGCTGCT-G. GRCh37 (hg19) VCF-style: chr1-154842199-GGCTGCTGCTGCTGCTGCTGCTGCTGCT-G.
Other names: c.200AGC[5], p.Gln72_Gln80del (NM_001204087.2).
Identifiers: ClinVar variation 1685501 (VCV001685501.20), dbSNP rs3831942, ClinGen allele CA889598013.